The following is an entry in ClinVar:

NM_001378414.1(HDAC4):c.2613C>T (p.Asp871=)

Gene: HDAC4 (histone deacetylase 4; minus strand). Cytogenetic location: 2q37.3.
Variant type: single nucleotide variant.
Coding change: c.2613C>T on transcript NM_001378414.1 (MANE Select); coding-DNA position 2613, C replaced by T.
Protein change: p.Asp871=; no amino-acid change (aspartic acid 871 retained).
Molecular consequence: synonymous variant.
Genome position (GRCh38, 1-based): chr2:239,082,141, G>A on the plus strand (C>T on the coding strand, the complement: HDAC4 is on the minus strand). VCF-style: chr2-239082141-G-A. GRCh37 (hg19) VCF-style: chr2-240003837-G-A.
Other names: c.2613C>T, p.Asp871= (NM_001378415.1); c.2598C>T, p.Asp866= (NM_001378416.1, NM_001378417.1, NM_006037.4).
Identifiers: ClinVar variation 2652068 (VCV002652068.26), dbSNP rs755115219, ClinGen allele CA2199313.
Genomic context (GRCh38, chr2:239,082,141, plus strand): 5'-GCCCTTATATACCCCACCTACCTCATCAGGAGCCCCGCTGCCTGGGAAGAAGTTCCCATC[G>A]TCGTAGCGGTGGAGGGACATGTACAGGACGCTGGGGTCGCTGTAGAAAGCCTGCTGGGTC-3'
Protein context (NP_001365343.1, residues 861-881): SVLYMSLHRY[Asp871=]DGNFFPGSGA

ClinVar aggregate classification (germline): Likely benign. Review status: criteria provided, multiple submitters, no conflicts (2 of 4 stars). 2 submissions from 2 submitters: Likely benign (2). Last evaluated 2025-09-04.

Allele frequency attached by ClinVar (database versions not stated): gnomAD exomes 0.00003; gnomAD 0.00004; TOPMed 0.00006; ExAC 0.00013.
gnomAD v4.1: 50 of 1,614,000 alleles (0.0031%); highest among the groups gnomAD compares: Admixed American, 0.033%; no homozygotes.

Submissions (2):

Labcorp Genetics (formerly Invitae), Labcorp
Classification: Likely benign. Last evaluated: 2025-09-04. Review status: criteria provided, single submitter. Criteria: Invitae Variant Classification Sherloc (09022015). Collection method: clinical testing. Allele origin: germline.

CeGaT Center for Human Genetics Tuebingen
Classification: Likely benign. Last evaluated: 2023-05-01. Review status: criteria provided, single submitter. Criteria: CeGaT Center For Human Genetics Tuebingen Variant Classification Criteria Version 2. Collection method: clinical testing. Allele origin: germline. Affected: yes. Observed: 1 variant allele.
Comment: HDAC4: BP4, BP7